The following is an entry in ClinVar:

ClinVar aggregate classification (germline): Uncertain significance (1 of 4 stars; one submission).

Conditions:
Neuropathy, hereditary sensory and autonomic, type 1C. Also called: HSAN IC; HSN IC. Identifiers: Orphanet 36386, MedGen C3150896, MONDO:0013337, OMIM 613640.

Allele frequency attached by ClinVar (database versions not stated): gnomAD exomes below 0.00001.
gnomAD v4.1: 5 of 1,614,150 alleles (0.00031%); highest among the groups gnomAD compares: Non-Finnish European, 0.00042%; no homozygotes.

Submission:

Labcorp Genetics (formerly Invitae), Labcorp
Classification: Uncertain significance for Neuropathy, hereditary sensory and autonomic, type 1C. Last evaluated: 2021-09-21. Review status: criteria provided, single submitter. Criteria: Invitae Variant Classification Sherloc (09022015). Collection method: clinical testing. Allele origin: germline.
Comment: In summary, the available evidence is currently insufficient to determine the role of this variant in disease. Therefore, it has been classified as a Variant of Uncertain Significance. This sequence change replaces valine with phenylalanine at codon 70 of the SPTLC2 protein (p.Val70Phe). The valine residue is highly conserved and there is a small physicochemical difference between valine and phenylalanine. This variant is not present in population databases (ExAC no frequency). This variant has not been reported in the literature in individuals affected with SPTLC2-related conditions. Algorithms developed to predict the effect of missense changes on protein structure and function are either unavailable or do not agree on the potential impact of this missense change (SIFT: "Deleterious"; PolyPhen-2: "Possibly Damaging"; Align-GVGD: "Class C0").

NM_004863.4(SPTLC2):c.208G>T (p.Val70Phe)

Gene: SPTLC2 (serine palmitoyltransferase long chain base subunit 2; minus strand). Cytogenetic location: 14q24.3.
Variant type: single nucleotide variant.
Coding change: c.208G>T on transcript NM_004863.4 (MANE Select); coding-DNA position 208, G replaced by T.
Protein change: p.Val70Phe; replaces valine 70 with phenylalanine.
Molecular consequence: missense variant.
Genome position (GRCh38, 1-based): chr14:77,597,305, C>A on the plus strand (G>T on the coding strand, the complement: SPTLC2 is on the minus strand). VCF-style: chr14-77597305-C-A. GRCh37 (hg19) VCF-style: chr14-78063648-C-A.
Other names: short protein forms V70F.
Identifiers: ClinVar variation 1058695 (VCV001058695.7), dbSNP rs2079852647, ClinGen allele CA390705634.